The following is an entry in ClinVar:

ClinVar aggregate classification (germline): Likely benign (1 of 4 stars; one submission).

Conditions:
Glycogen storage disease, type II (IOPD). Also called: Pompe Disease; CARDIOMEGALIA GLYCOGENICA DIFFUSA; GLYCOGENOSIS, GENERALIZED, CARDIAC FORM; GSD II; POMPE DISEASE, INFANTILE-ONSET; GLYCOGEN STORAGE DISEASE II, INFANTILE-ONSET. Identifiers: Orphanet 365, MedGen C0017921, MONDO:0009290, OMIM 232300.

Submission:

Genomenon, Inc
Classification: Likely benign for Glycogen storage disease, type II. Last evaluated: 2026-07-01. Review status: criteria provided, single submitter. Criteria: Genomenon Sequence Variant Interpretation Standards - Updated. Collection method: curation. Allele origin: germline. Affected: no.
Comment: GAA c.2040+12G>A is an intronic variant located in intron 14. This variant has been reported in the published literature (PMID:18425781). It is absent or not present at a significant frequency in gnomAD. This variant is not predicted to impact splicing. In conclusion, we classify GAA c.2040+12G>A as a likely benign variant.

Literature cited by the submitters: PubMed 18425781.

NM_000152.5(GAA):c.2040+12G>A

Gene: GAA (alpha glucosidase; plus strand). Cytogenetic location: 17q25.3.
Variant type: single nucleotide variant.
Coding change: c.2040+12G>A on transcript NM_000152.5 (MANE Select); 12 bases into the intron after coding-DNA position 2040, G replaced by A.
Molecular consequence: intron variant.
Genome position (GRCh38, 1-based): chr17:80,113,039, G>A. VCF-style: chr17-80113039-G-A. GRCh37 (hg19) VCF-style: chr17-78086838-G-A.
Other names: c.2040+12G>A (NM_001406741.1, NM_001406742.1, NM_001079803.3 and 1 more transcripts).
Identifiers: ClinVar variation 4876349 (VCV004876349.1).